The following is an entry in ClinVar:

ClinVar aggregate classification (germline): Uncertain significance. Review status: criteria provided, multiple submitters, no conflicts (2 of 4 stars). 2 submissions from 2 submitters: Uncertain significance (2). Last evaluated 2026-01-10.

Conditions:
Cardiovascular phenotype. Identifiers: MedGen CN230736.
Long QT syndrome (LQTS). Identifiers: MedGen C0023976, MeSH D008133, MONDO:0002442. Disease mechanism: loss of function. Inheritance: Various modes of inheritance.

Allele frequency attached by ClinVar (database versions not stated): gnomAD exomes below 0.00001; gnomAD 0.00001; TOPMed 0.00001.
gnomAD v4.1: 8 of 1,613,172 alleles (0.0005%); highest among the groups gnomAD compares: East Asian, 0.011%; no homozygotes.

Submissions (2):

Labcorp Genetics (formerly Invitae), Labcorp
Classification: Uncertain significance for Long QT syndrome. Last evaluated: 2026-01-10. Review status: criteria provided, single submitter. Criteria: Invitae Variant Classification Sherloc (09022015). Collection method: clinical testing. Allele origin: germline.
Comment: This sequence change replaces glutamine, which is neutral and polar, with arginine, which is basic and polar, at codon 2022 of the AKAP9 protein (p.Gln2022Arg). This variant is present in population databases (no rsID available, gnomAD 0.006%). This variant has not been reported in the literature in individuals affected with AKAP9-related conditions. ClinVar contains an entry for this variant (Variation ID: 1059785). An algorithm developed to predict the effect of missense changes on protein structure and function (PolyPhen-2) suggests that this variant is likely to be disruptive. In summary, the available evidence is currently insufficient to determine the role of this variant in disease. Therefore, it has been classified as a Variant of Uncertain Significance.

Ambry Genetics
Classification: Uncertain significance for Cardiovascular phenotype. Last evaluated: 2024-06-20. Review status: criteria provided, single submitter. Criteria: Ambry Variant Classification Scheme 2023. Collection method: clinical testing. Allele origin: germline.
Comment: The p.Q2022R variant (also known as c.6065A>G), located in coding exon 25 of the AKAP9 gene, results from an A to G substitution at nucleotide position 6065. The glutamine at codon 2022 is replaced by arginine, an amino acid with highly similar properties. This amino acid position is highly conserved in available vertebrate species. In addition, this alteration is predicted to be tolerated by in silico analysis. The evidence for this gene-disease relationship is limited; therefore, the clinical significance of this alteration is unclear.

NM_005751.5(AKAP9):c.6065A>G (p.Gln2022Arg)

Gene: AKAP9 (A-kinase anchoring protein 9; plus strand). Cytogenetic location: 7q21.2.
Variant type: single nucleotide variant.
Coding change: c.6065A>G on transcript NM_005751.5 (MANE Select); coding-DNA position 6065, A replaced by G.
Protein change: p.Gln2022Arg; replaces glutamine 2022 with arginine.
Molecular consequence: missense variant.
Genome position (GRCh38, 1-based): chr7:92,065,318, A>G. VCF-style: chr7-92065318-A-G. GRCh37 (hg19) VCF-style: chr7-91694632-A-G.
Other names: c.710A>G, p.Gln237Arg (NM_001379277.1); c.6065A>G, p.Gln2022Arg (NM_147185.3); c.6065A>G (NM_005751.4); short protein forms Q2022R, Q237R.
Identifiers: ClinVar variation 1059785 (VCV001059785.10), dbSNP rs1376477395, ClinGen allele CA368132505.